The following is an entry in ClinVar:

NM_000642.3(AGL):c.1735+5G>A

Gene: AGL (amylo-alpha-1,6-glucosidase and 4-alpha-glucanotransferase; plus strand). Cytogenetic location: 1p21.2.
Variant type: single nucleotide variant.
Coding change: c.1735+5G>A on transcript NM_000642.3 (MANE Select); 5 bases into the intron after coding-DNA position 1735, G replaced by A.
Molecular consequence: intron variant.
Genome position (GRCh38, 1-based): chr1:99,880,051, G>A. VCF-style: chr1-99880051-G-A. GRCh37 (hg19) VCF-style: chr1-100345607-G-A.
Other names: c.1735+5G>A (NM_000643.3, NM_000644.3, NM_001425326.1 and 2 more transcripts); c.1687+5G>A (NM_000646.3); c.1534+5G>A (NM_001425327.1); c.1531+5G>A (NM_001425328.1, NM_001425329.1); c.1357+5G>A (NM_001425332.1).
Identifiers: ClinVar variation 2073966 (VCV002073966.5), dbSNP rs1048645747, ClinGen allele CA27514844.
Genomic context (GRCh38, chr1:99,880,051, plus strand): 5'-TGAAGATCTGGACAATGTCTTTGTTACTAGACTGGGCATTAGTTCCTTAATAAGAGGTAG[G>A]CTTGTTGGAGTGTATTTCCCTCTAAAACTTTAGCTTTTGTTTAAGTAGATTAAAGGATTT-3'

ClinVar aggregate classification (germline): Uncertain significance. Review status: criteria provided, multiple submitters, no conflicts (2 of 4 stars). 3 submissions from 3 submitters: Uncertain significance (3). Last evaluated 2024-11-23.

Conditions:
Glycogen storage disease type III (GSD3). Also called: Cori disease; FORBES DISEASE. Identifiers: Orphanet 366, MedGen C0017922, MONDO:0009291, OMIM 232400.

Allele frequency attached by ClinVar (database versions not stated): gnomAD exomes 0.00001.
gnomAD v4.1: 3 of 1,613,230 alleles (0.00019%); highest among the groups gnomAD compares: Non-Finnish European, 0.00025%; no homozygotes.

Submissions (3):

Labcorp Genetics (formerly Invitae), Labcorp
Classification: Uncertain significance for Glycogen storage disease type III. Last evaluated: 2024-11-23. Review status: criteria provided, single submitter. Criteria: Invitae Variant Classification Sherloc (09022015). Collection method: clinical testing. Allele origin: germline.
Comment: This sequence change falls in intron 13 of the AGL gene. It does not directly change the encoded amino acid sequence of the AGL protein. It affects a nucleotide within the consensus splice site. This variant is present in population databases (no rsID available, gnomAD 0.0009%). This variant has not been reported in the literature in individuals affected with AGL-related conditions. ClinVar contains an entry for this variant (Variation ID: 2073966). Variants that disrupt the consensus splice site are a relatively common cause of aberrant splicing (PMID: 17576681, 9536098). Algorithms developed to predict the effect of sequence changes on RNA splicing suggest that this variant may disrupt the consensus splice site. In summary, the available evidence is currently insufficient to determine the role of this variant in disease. Therefore, it has been classified as a Variant of Uncertain Significance.

Genome-Nilou Lab
Classification: Uncertain significance for Glycogen storage disease type III. Last evaluated: 2023-04-11. Review status: criteria provided, single submitter. Criteria: ACMG Guidelines, 2015. Collection method: clinical testing. Allele origin: germline. Affected: no.

Baylor Genetics
Classification: Uncertain significance for Glycogen storage disease type III. Last evaluated: 2022-05-18. Review status: criteria provided, single submitter. Criteria: ACMG Guidelines, 2015. Collection method: clinical testing. Allele origin: unknown.

Literature cited by the submitters: PubMed 17576681 (cited by Labcorp Genetics (formerly Invitae), Labcorp); PubMed 9536098 (cited by Labcorp Genetics (formerly Invitae), Labcorp).